The following is an entry in ClinVar:

NM_001197104.2(KMT2A):c.6844C>T (p.His2282Tyr)

Gene: KMT2A (lysine methyltransferase 2A; plus strand). Cytogenetic location: 11q23.3.
Variant type: single nucleotide variant.
Coding change: c.6844C>T on transcript NM_001197104.2 (MANE Select); coding-DNA position 6844, C replaced by T.
Protein change: p.His2282Tyr; replaces histidine 2282 with tyrosine.
Molecular consequence: missense variant.
Genome position (GRCh38, 1-based): chr11:118,502,736, C>T. VCF-style: chr11-118502736-C-T. GRCh37 (hg19) VCF-style: chr11-118373451-C-T.
Other names: c.6835C>T, p.His2279Tyr (NM_005933.4); short protein forms H2279Y, H2282Y.
Identifiers: ClinVar variation 1640463 (VCV001640463.10), dbSNP rs1950519775, ClinGen allele CA382803196.

ClinVar aggregate classification (germline): Conflicting classifications of pathogenicity. Review status: criteria provided, conflicting classifications (1 of 4 stars). 3 submissions from 3 submitters: Uncertain significance (2); Benign (1). Last evaluated 2025-11-04.

Allele frequency attached by ClinVar (database versions not stated): gnomAD exomes below 0.00001; gnomAD 0.00001; TOPMed 0.00005.
gnomAD v4.1: 7 of 1,614,050 alleles (0.00043%); highest among the groups gnomAD compares: African/African-American, 0.0013%; no homozygotes.

Submissions (3):

Women's Health and Genetics/Laboratory Corporation of America, LabCorp
Classification: Uncertain significance. Last evaluated: 2025-11-04. Review status: criteria provided, single submitter. Criteria: LabCorp Variant Classification Summary - May 2015. Collection method: clinical testing. Allele origin: germline.
Comment: Variant summary: KMT2A c.6844C>T (p.His2282Tyr) results in a conservative amino acid change in the encoded protein sequence. Algorithms developed to predict the effect of missense changes on protein structure and function all suggest that this variant is likely to be tolerated. The variant was absent in 250354 control chromosomes. The available data on variant occurrences in the general population are insufficient to allow any conclusion about variant significance. To our knowledge, no occurrence of c.6844C>T in individuals affected with KMT2A-related conditions and no experimental evidence demonstrating its impact on protein function have been reported. ClinVar contains an entry for this variant (Variation ID: 1640463). Based on the evidence outlined above, the variant was classified as uncertain significance.

Labcorp Genetics (formerly Invitae), Labcorp
Classification: Benign. Last evaluated: 2025-04-30. Review status: criteria provided, single submitter. Criteria: Invitae Variant Classification Sherloc (09022015). Collection method: clinical testing. Allele origin: germline.

Blueprint Genetics
Classification: Uncertain significance. Last evaluated: 2022-06-16. Review status: criteria provided, single submitter. Criteria: ACMG Guidelines, 2015. Collection method: clinical testing. Allele origin: germline.